The following is an entry in ClinVar:

NM_006939.4(SOS2):c.3637_3693dup (p.Pro1231_Phe1232insProAspThrProProProValProLeuArgProProGluHisPheIleAsnCysPro)

Gene: SOS2 (SOS Ras/Rho guanine nucleotide exchange factor 2; minus strand). Cytogenetic location: 14q21.3.
Variant type: Duplication.
Coding change: c.3637_3693dup on transcript NM_006939.4 (MANE Select); coding-DNA positions 3637 to 3693, 57 bases duplicated.
Protein change: p.Pro1231_Phe1232insProAspThrProProProValProLeuArgProProGluHisPheIleAsnCysPro.
Molecular consequence: inframe insertion.
Genome position (GRCh38, 1-based): chr14:50,118,650-50,118,706, 57 bases duplicated. GRCh37 (hg19): chr14:50,585,368-50,585,424.
Other names: c.3538_3594dup, p.Pro1198_Phe1199insProAspThrProProProValProLeuArgProProGluHisPheIleAsnCysPro (NM_001411020.1).
Identifiers: ClinVar variation 2122307 (VCV002122307.4), dbSNP rs2502757451, ClinGen allele CA2580088181.

ClinVar aggregate classification (germline): Uncertain significance (1 of 4 stars; one submission).

Conditions:
Noonan syndrome 9 (NS9). Identifiers: Orphanet 648, MedGen C4225282, MONDO:0014691, OMIM 616559.

Submission:

Labcorp Genetics (formerly Invitae), Labcorp
Classification: Uncertain significance for Noonan syndrome 9. Last evaluated: 2022-04-06. Review status: criteria provided, single submitter. Criteria: Invitae Variant Classification Sherloc (09022015). Collection method: clinical testing. Allele origin: germline.
Comment: This variant, c.3637_3693dup, results in the insertion of 19 amino acid(s) of the SOS2 protein (p.Pro1213_Pro1231dup), but otherwise preserves the integrity of the reading frame. This variant is not present in population databases (gnomAD no frequency). This variant has not been reported in the literature in individuals affected with SOS2-related conditions. In summary, the available evidence is currently insufficient to determine the role of this variant in disease. Therefore, it has been classified as a Variant of Uncertain Significance.